The following is an entry in ClinVar:

NM_001371986.1(UNC80):c.374A>T (p.Gln125Leu)

Gene: UNC80 (unc-80 subunit of NALCN channel complex; plus strand). Cytogenetic location: 2q34.
Variant type: single nucleotide variant.
Coding change: c.374A>T on transcript NM_001371986.1 (MANE Select); coding-DNA position 374, A replaced by T.
Protein change: p.Gln125Leu; replaces glutamine 125 with leucine.
Molecular consequence: missense variant.
Genome position (GRCh38, 1-based): chr2:209,777,333, A>T. VCF-style: chr2-209777333-A-T. GRCh37 (hg19) VCF-style: chr2-210642057-A-T.
Other names: c.374A>T, p.Gln125Leu (NM_032504.2, NM_182587.4); short protein forms Q125L.
Identifiers: ClinVar variation 3652108 (VCV003652108.2).

ClinVar aggregate classification (germline): Uncertain significance (1 of 4 stars; one submission).

Submission:

Labcorp Genetics (formerly Invitae), Labcorp
Classification: Uncertain significance. Last evaluated: 2024-08-01. Review status: criteria provided, single submitter. Criteria: Invitae Variant Classification Sherloc (09022015). Collection method: clinical testing. Allele origin: germline.
Comment: This sequence change replaces glutamine, which is neutral and polar, with leucine, which is neutral and non-polar, at codon 125 of the UNC80 protein (p.Gln125Leu). This variant is not present in population databases (gnomAD no frequency). This variant has not been reported in the literature in individuals affected with UNC80-related conditions. An algorithm developed to predict the effect of missense changes on protein structure and function (PolyPhen-2) suggests that this variant is likely to be disruptive. In summary, the available evidence is currently insufficient to determine the role of this variant in disease. Therefore, it has been classified as a Variant of Uncertain Significance.